The following is an entry in ClinVar:

ClinVar aggregate classification (germline): Uncertain significance (1 of 4 stars; one submission).

Submission:

Labcorp Genetics (formerly Invitae), Labcorp
Classification: Uncertain significance. Last evaluated: 2022-08-27. Review status: criteria provided, single submitter. Criteria: Invitae Variant Classification Sherloc (09022015). Collection method: clinical testing. Allele origin: germline.
Comment: This sequence change creates a premature translational stop signal (p.Thr793Glnfs*4) in the ERBIN gene. It is expected to result in an absent or disrupted protein product. However, the current clinical and genetic evidence is not sufficient to establish whether loss-of-function variants in ERBIN cause disease. This variant is not present in population databases (gnomAD no frequency). This variant has not been reported in the literature in individuals affected with ERBIN-related conditions. In summary, the available evidence is currently insufficient to determine the role of this variant in disease. Therefore, it has been classified as a Variant of Uncertain Significance.

NM_001253697.2(ERBIN):c.2377del (p.Thr793fs)

Gene: ERBIN (erbb2 interacting protein; plus strand). Cytogenetic location: 5q12.3.
Variant type: Deletion.
Coding change: c.2377del on transcript NM_001253697.2 (MANE Select); coding-DNA position 2377, one base deleted (A; older notation c.2377delA).
Protein change: p.Thr793fs; shifts the reading frame from threonine 793.
Molecular consequence: frameshift variant.
Genome position (GRCh38, 1-based): chr5:66,053,695, A deleted; the last of 2 consecutive A bases (chr5:66,053,694-66,053,695); deleting either gives the same sequence. VCF-style (leftmost placement, unchanged base first): chr5-66053693-GA-G. GRCh37 (hg19) VCF-style: chr5-65349521-GA-G.
Other names: c.2377del, p.Thr793fs (NM_001006600.3, NM_001253698.2, NM_001253699.2 and 1 more transcripts); c.2365del, p.Thr789fs (NM_001253701.2); short protein forms T789fs, T793fs.
Identifiers: ClinVar variation 2027247 (VCV002027247.4), dbSNP rs2546811475, ClinGen allele CA2580073381.